The following is an entry in ClinVar:

ClinVar aggregate classification (germline): Uncertain significance (1 of 4 stars; one submission).

Conditions:
Cystinuria (CSNU). Also called: CYSTINURIA, TYPE I; CYSTINURIA, TYPE II; CYSTINURIA, TYPE III; Cystinuria, non-type I. Identifiers: Orphanet 214, MedGen C0010691, MONDO:0009067, OMIM 220100, HP:0003131.

Submission:

Neuberg Centre For Genomic Medicine, NCGM
Classification: Uncertain significance for Cystinuria. Last evaluated: 2023-06-22. Review status: criteria provided, single submitter. Criteria: ACMG Guidelines, 2015. Collection method: clinical testing. Allele origin: germline. Inheritance: Autosomal recessive inheritance. Affected: yes.
Comment: The missense variant c.641A>T (p.Asn214Ile) in the SLC3A1 gene has not been reported previously as a pathogenic variant nor as a benign variant, to our knowledge. This variant is absent in the gnomAD Exomes. The amino acid Asn at position 214 is changed to a Ile changing protein sequence and it might alter its composition and physico-chemical properties. Multiple lines of computational evidence (Polyphen - Damaging, SIFT - Damaging and MutationTaster - Disease causing) predict a damaging effect on protein structure and function for this variant. The amino acid change p.Asn214Ile in SLC3A1 is predicted as conserved by GERP++ and PhyloP across 100 vertebrates. For these reasons, this variant has been classified as Uncertain Significance.

NM_000341.4(SLC3A1):c.641A>T (p.Asn214Ile)

Gene: SLC3A1 (solute carrier family 3 member 1; plus strand). Cytogenetic location: 2p21.
Variant type: single nucleotide variant.
Coding change: c.641A>T on transcript NM_000341.4 (MANE Select); coding-DNA position 641, A replaced by T.
Protein change: p.Asn214Ile; replaces asparagine 214 with isoleucine.
Molecular consequence: missense variant.
Genome position (GRCh38, 1-based): chr2:44,281,417, A>T. VCF-style: chr2-44281417-A-T. GRCh37 (hg19) VCF-style: chr2-44508556-A-T.
Other names: short protein forms N214I.
Identifiers: ClinVar variation 3377640 (VCV003377640.1).
Genomic context (GRCh38, chr2:44,281,417, plus strand): 5'-CTAGCATTTGAAATGTCTTTTACTCATTAGGTTTAAAATTAATCATCGATTTCATACCAA[A>T]CCACACGAGTGATAAACATATTTGGTTTCAATTGAGTCGGACACGGACAGGAAAATATAC-3'
Protein context (NP_000332.2, residues 204-224): GLKLIIDFIP[Asn214Ile]HTSDKHIWFQ